The following is an entry in ClinVar:

NM_032043.3(BRIP1):c.918+4A>T

Gene: BRIP1 (BRCA1 interacting DNA helicase 1; minus strand). Cytogenetic location: 17q23.2.
Variant type: single nucleotide variant.
Coding change: c.918+4A>T on transcript NM_032043.3 (MANE Select); 4 bases into the intron after coding-DNA position 918, A replaced by T.
Molecular consequence: intron variant.
Genome position (GRCh38, 1-based): chr17:61,808,463, T>A on the plus strand (A>T on the coding strand, the complement: BRIP1 is on the minus strand). VCF-style: chr17-61808463-T-A. GRCh37 (hg19) VCF-style: chr17-59885824-T-A.
Identifiers: ClinVar variation 3261803 (VCV003261803.2).

ClinVar aggregate classification (germline): Likely pathogenic (1 of 4 stars; one submission).

Conditions:
Hereditary cancer-predisposing syndrome. Also called: Hereditary Cancer Syndrome; Tumor predisposition; Hereditary neoplastic syndrome; Neoplastic Syndromes, Hereditary. Identifiers: Orphanet 140162, MedGen C0027672, MeSH D009386, MONDO:0015356.

Submission:

Ambry Genetics
Classification: Likely pathogenic for Hereditary cancer-predisposing syndrome. Last evaluated: 2025-07-01. Review status: criteria provided, single submitter. Criteria: Ambry Variant Classification Scheme 2023. Collection method: clinical testing. Allele origin: germline.
Comment: The c.918+4A>T intronic variant results from an A to T substitution 4 nucleotides after coding exon 6 in the BRIP1 gene. This nucleotide position is highly conserved in available vertebrate species. In silico splice site analysis predicts that this alteration will weaken the native splice donor site. RNA studies have demonstrated that this alteration results in abnormal splicing in the set of samples tested (Ambry internal data). Based on the majority of available evidence to date, this variant is likely to be pathogenic.